The following is an entry in ClinVar:

NM_003920.5(TIMELESS):c.2424C>T (p.Gly808=)

Gene: TIMELESS (timeless circadian regulator; minus strand). Cytogenetic location: 12q13.3.
Variant type: single nucleotide variant.
Coding change: c.2424C>T on transcript NM_003920.5 (MANE Select); coding-DNA position 2424, C replaced by T.
Protein change: p.Gly808=; no amino-acid change (glycine 808 retained).
Molecular consequence: synonymous variant. On other transcripts: non-coding transcript variant (1).
Genome position (GRCh38, 1-based): chr12:56,422,861, G>A on the plus strand (C>T on the coding strand, the complement: TIMELESS is on the minus strand). VCF-style: chr12-56422861-G-A. GRCh37 (hg19) VCF-style: chr12-56816645-G-A.
Other names: c.2421C>T, p.Gly807= (NM_001330295.2).
Identifiers: ClinVar variation 3904980 (VCV003904980.10).

ClinVar aggregate classification (germline): Likely benign (1 of 4 stars; one submission).

gnomAD v4.1: 315 of 1,607,276 alleles (0.02%); highest among the groups gnomAD compares: South Asian, 0.13%; 3 homozygotes.

Submission:

CeGaT Center for Human Genetics Tuebingen
Classification: Likely benign. Last evaluated: 2025-06-01. Review status: criteria provided, single submitter. Criteria: CeGaT Center For Human Genetics Tuebingen Variant Classification Criteria Version 2. Collection method: clinical testing. Allele origin: germline. Affected: yes. Observed: 1 variant allele.
Comment: TIMELESS: BP4, BP7